The following is an entry in ClinVar:

NM_002500.5(NEUROD1):c.311T>C (p.Met104Thr)

Gene: NEUROD1 (neuronal differentiation 1; minus strand). Cytogenetic location: 2q31.3.
Variant type: single nucleotide variant.
Coding change: c.311T>C on transcript NM_002500.5 (MANE Select); coding-DNA position 311, T replaced by C.
Protein change: p.Met104Thr; replaces methionine 104 with threonine.
Molecular consequence: missense variant.
Genome position (GRCh38, 1-based): chr2:181,678,550, A>G on the plus strand (T>C on the coding strand, the complement: NEUROD1 is on the minus strand). VCF-style: chr2-181678550-A-G. GRCh37 (hg19) VCF-style: chr2-182543277-A-G.
Other names: short protein forms M104T.
Identifiers: ClinVar variation 1958725 (VCV001958725.5), dbSNP rs376752352, ClinGen allele CA2011142.

ClinVar aggregate classification (germline): Uncertain significance (1 of 4 stars; one submission).

Allele frequency attached by ClinVar (database versions not stated): TOPMed below 0.00001; ExAC 0.00001; gnomAD 0.00001; ESP Exome Variant Server 0.00008.

Submission:

Labcorp Genetics (formerly Invitae), Labcorp
Classification: Uncertain significance. Last evaluated: 2022-01-18. Review status: criteria provided, single submitter. Criteria: Invitae Variant Classification Sherloc (09022015). Collection method: clinical testing. Allele origin: germline.
Comment: In summary, the available evidence is currently insufficient to determine the role of this variant in disease. Therefore, it has been classified as a Variant of Uncertain Significance. Algorithms developed to predict the effect of missense changes on protein structure and function are either unavailable or do not agree on the potential impact of this missense change (SIFT: "Deleterious"; PolyPhen-2: "Benign"; Align-GVGD: "Class C65"). This variant has not been reported in the literature in individuals affected with NEUROD1-related conditions. This variant is present in population databases (rs376752352, gnomAD 0.0009%). This sequence change replaces methionine, which is neutral and non-polar, with threonine, which is neutral and polar, at codon 104 of the NEUROD1 protein (p.Met104Thr).